The following is an entry in ClinVar:

ClinVar aggregate classification (germline): Uncertain significance (1 of 4 stars; one submission).

Conditions:
Neurofibromatosis, type 2 (SWNV). Also called: BILATERAL ACOUSTIC NEUROFIBROMATOSIS; NF2-Related Schwannomatosis; SCHWANNOMATOSIS, VESTIBULAR. Identifiers: Orphanet 637, MedGen C0027832, MONDO:0007039, OMIM 101000. Disease mechanism: loss of function.

Submission:

Labcorp Genetics (formerly Invitae), Labcorp
Classification: Uncertain significance for Neurofibromatosis, type 2. Last evaluated: 2025-08-06. Review status: criteria provided, single submitter. Criteria: Invitae Variant Classification Sherloc (09022015). Collection method: clinical testing. Allele origin: germline.
Comment: This sequence change replaces leucine, which is neutral and non-polar, with glutamine, which is neutral and polar, at codon 46 of the NF2 protein (p.Leu46Gln). Information on the frequency of this variant in the gnomAD database is not available, as this variant may be reported differently in the database. This missense change has been observed in individual(s) with clinical features of neurofibromatosis type (internal data). An algorithm developed to predict the effect of missense changes on protein structure and function (PolyPhen-2) suggests that this variant is likely to be disruptive. This variant disrupts the p.Leu46 amino acid residue in NF2. Other variant(s) that disrupt this residue have been observed in individuals with NF2-related conditions (PMID: 33067351), which suggests that this may be a clinically significant amino acid residue. In summary, the available evidence is currently insufficient to determine the role of this variant in disease. Therefore, it has been classified as a Variant of Uncertain Significance.

Literature cited by the submitters: PubMed 33067351.

NM_000268.4(NF2):c.137_138delinsAA (p.Leu46Gln)

Gene: NF2 (NF2, moesin-ezrin-radixin like (MERLIN) tumor suppressor; plus strand). Cytogenetic location: 22q12.2.
Variant type: Indel.
Coding change: c.137_138delinsAA on transcript NM_000268.4 (MANE Select); coding-DNA positions 137 to 138, TC replaced by AA.
Protein change: p.Leu46Gln; replaces leucine 46 with glutamine.
Molecular consequence: missense variant. On other transcripts: 5 prime UTR variant (2), intron variant (6).
Genome position (GRCh38, 1-based): chr22:29,636,773-29,636,774, TC replaced by AA. VCF-style: chr22-29636773-TC-AA. GRCh37 (hg19) VCF-style: chr22-30032762-TC-AA.
Other names: c.137_138delinsAA, p.Leu46Gln (NM_001407059.1, NM_001407060.1, NM_001407062.1 and 9 more transcripts); c.-504_-503delinsAA (NM_001407065.1); c.-120_-119delinsAA (NM_001407067.1); c.23_24delinsAA, p.Leu8Gln (NM_001407053.1, NM_001407056.1); c.115-2317_115-2316delinsAA (NM_181828.3, NM_001407055.1); c.115-5429_115-5428delinsAA (NM_001407063.1, NM_181830.3, NM_001407064.1 and 1 more transcripts); short protein forms L46Q, L8Q.
Identifiers: ClinVar variation 4724884 (VCV004724884.1).